The following is an entry in ClinVar:

NM_014000.3(VCL):c.947A>T (p.Lys316Ile)

Gene: VCL (vinculin; plus strand). Cytogenetic location: 10q22.2.
Variant type: single nucleotide variant.
Coding change: c.947A>T on transcript NM_014000.3 (MANE Select); coding-DNA position 947, A replaced by T.
Protein change: p.Lys316Ile; replaces lysine 316 with isoleucine.
Molecular consequence: missense variant.
Genome position (GRCh38, 1-based): chr10:74,083,438, A>T. VCF-style: chr10-74083438-A-T. GRCh37 (hg19) VCF-style: chr10-75843196-A-T.
Other names: c.947A>T, p.Lys316Ile (NM_003373.4); short protein forms K316I.
Identifiers: ClinVar variation 3649272 (VCV003649272.2).

ClinVar aggregate classification (germline): Uncertain significance (1 of 4 stars; one submission).

Conditions:
Dilated cardiomyopathy 1W (CMD1W). Identifiers: Orphanet 154, MedGen C1969639, MONDO:0012667, OMIM 611407.

Submission:

Labcorp Genetics (formerly Invitae), Labcorp
Classification: Uncertain significance for Dilated cardiomyopathy 1W. Last evaluated: 2024-04-10. Review status: criteria provided, single submitter. Criteria: Invitae Variant Classification Sherloc (09022015). Collection method: clinical testing. Allele origin: germline.
Comment: This sequence change replaces lysine, which is basic and polar, with isoleucine, which is neutral and non-polar, at codon 316 of the VCL protein (p.Lys316Ile). This variant is not present in population databases (gnomAD no frequency). This variant has not been reported in the literature in individuals affected with VCL-related conditions. An algorithm developed to predict the effect of missense changes on protein structure and function (PolyPhen-2) suggests that this variant is likely to be disruptive. In summary, the available evidence is currently insufficient to determine the role of this variant in disease. Therefore, it has been classified as a Variant of Uncertain Significance.